The following is an entry in ClinVar:

NM_004655.4(AXIN2):c.1908-20T>C

Gene: AXIN2 (axin 2; minus strand). Cytogenetic location: 17q24.1.
Variant type: single nucleotide variant.
Coding change: c.1908-20T>C on transcript NM_004655.4 (MANE Select); 20 bases into the intron before coding-DNA position 1908, T replaced by C.
Molecular consequence: intron variant.
Genome position (GRCh38, 1-based): chr17:65,536,573, A>G on the plus strand (T>C on the coding strand, the complement: AXIN2 is on the minus strand). VCF-style: chr17-65536573-A-G. GRCh37 (hg19) VCF-style: chr17-63532691-A-G.
Other names: c.1713-20T>C (NM_001363813.1).
Identifiers: ClinVar variation 3378995 (VCV003378995.1).
Genomic context (GRCh38, chr17:65,536,573, plus strand): 5'-GGGCAGACTCCAAGGGGTAGGCCTTTTTTGTGCTTTGGGCACTAAACAAGGAATGAGCAG[A>G]GAGAAAACAGAAGGAAAGAAACTGGGTTAGAAGAACTGGAAAATGTGACTTCAATAGAAA-3'

ClinVar aggregate classification (germline): Likely benign (1 of 4 stars; one submission).

Conditions:
Oligodontia-cancer predisposition syndrome. Also called: TOOTH AGENESIS-COLORECTAL CANCER SYNDROME. Identifiers: Orphanet 300576, MedGen C1837750, MONDO:0012075, OMIM 608615. Disease mechanism: loss of function.

Submission:

Myriad Genetics, Inc.
Classification: Likely benign for Oligodontia-cancer predisposition syndrome. Last evaluated: 2024-07-08. Review status: criteria provided, single submitter. Criteria: Myriad Autosomal Dominant, Autosomal Recessive and X-Linked Classification Criteria (2023). Collection method: clinical testing. Allele origin: unknown.
Comment: This variant is considered likely benign. This variant is intronic and is not expected to impact mRNA splicing.